The following is an entry in ClinVar:

ClinVar aggregate classification (germline): Benign/Likely benign. Review status: criteria provided, multiple submitters, no conflicts (2 of 4 stars). 4 submissions from 4 submitters: Benign (1); Likely benign (2). 1 of the submissions does not count toward it. Last evaluated 2026-01-26.

Conditions:
Charcot-Marie-Tooth disease type 2. Also called: Charcot-Marie-Tooth type 2. Identifiers: Orphanet 64746, MedGen C0270914, MONDO:0018993.
KIF1B-related disorder. Also called: KIF1B-related condition.
Charcot-Marie-Tooth disease. Also called: Charcot-Marie-Tooth Neuropathy; Charcot-Marie-Tooth Hereditary Neuropathy. Identifiers: Orphanet 166, MedGen C0007959, MONDO:0015626.

Allele frequency attached by ClinVar (database versions not stated): gnomAD 0.00005 and 0.00006; TOPMed 0.00009; gnomAD exomes 0.00025 and 0.00005; ExAC 0.00027.
gnomAD v4.1: 85 of 1,613,988 alleles (0.0053%); highest among the groups gnomAD compares: Admixed American, 0.11%; no homozygotes.

Submissions (4):

Labcorp Genetics (formerly Invitae), Labcorp
Classification: Benign for Charcot-Marie-Tooth disease type 2. Last evaluated: 2026-01-26. Review status: criteria provided, single submitter. Criteria: Invitae Variant Classification Sherloc (09022015). Collection method: clinical testing. Allele origin: germline.

Ambry Genetics
Classification: Likely benign. Last evaluated: 2020-09-15. Review status: criteria provided, single submitter. Criteria: Ambry Variant Classification Scheme 2023. Collection method: clinical testing. Allele origin: germline.

Molecular Genetics Laboratory, London Health Sciences Centre
Classification: Likely benign for Charcot-Marie-Tooth disease. Review status: criteria provided, single submitter. Criteria: ACMG Guidelines, 2015. Collection method: clinical testing. Allele origin: germline. Affected: yes.

PreventionGenetics, part of Exact Sciences
Classification: Likely benign for KIF1B-related condition. Last evaluated: 2023-11-29. Review status: no assertion criteria provided. Collection method: clinical testing. Allele origin: germline. Not counted in ClinVar's aggregate classification.
Comment: This variant is classified as likely benign based on ACMG/AMP sequence variant interpretation guidelines (Richards et al. 2015 PMID: 25741868, with internal and published modifications).

NM_001365951.3(KIF1B):c.4668C>T (p.Ser1556=)

Gene: KIF1B (kinesin family member 1B; plus strand). Cytogenetic location: 1p36.22.
Variant type: single nucleotide variant.
Coding change: c.4668C>T on transcript NM_001365951.3 (MANE Select); coding-DNA position 4668, C replaced by T.
Protein change: p.Ser1556=; no amino-acid change (serine 1556 retained).
Molecular consequence: synonymous variant.
Genome position (GRCh38, 1-based): chr1:10,365,564, C>T. VCF-style: chr1-10365564-C-T. GRCh37 (hg19) VCF-style: chr1-10425622-C-T.
Other names: c.4668C>T, p.Ser1556= (NM_001365952.1); c.4530C>T, p.Ser1510= (NM_015074.3).
Identifiers: ClinVar variation 543249 (VCV000543249.16), dbSNP rs765541693, ClinGen allele CA582144.